The following is an entry in ClinVar:

NM_007294.3(BRCA1):c.*2602C>T

Gene: BRCA1 (BRCA1 DNA repair associated; minus strand). Cytogenetic location: 17q21.31.
Variant type: single nucleotide variant.
Coding change: c.*2602C>T on transcript NM_007294.3; 2602 bases downstream of the stop codon, C replaced by T.
Genome position (GRCh38, 1-based): chr17:43,043,076, G>A on the plus strand (C>T on the coding strand, the complement: BRCA1 is on the minus strand). VCF-style: chr17-43043076-G-A. GRCh37 (hg19) VCF-style: chr17-41195093-G-A.
Other names: 8313 C>T.
Identifiers: ClinVar variation 209229 (VCV000209229.3), dbSNP rs116585239, ClinGen allele CA276205.

ClinVar aggregate classification (germline): Benign (3 of 4 stars; one submission).

Conditions:
Breast-ovarian cancer, familial, susceptibility to, 1 (BROVCA1). Also called: OVARIAN CANCER, SUSCEPTIBILITY TO; BRCA1 Hereditary Breast and Ovarian Cancer. Identifiers: Orphanet 145, MedGen C2676676, MONDO:0011450, OMIM 604370. Disease mechanism: loss of function.

Allele frequency attached by ClinVar (database versions not stated): 1000 Genomes Project 0.00958; TOPMed 0.00961; gnomAD 0.00887 and 0.00820; 1000 Genomes Project 30x 0.01046.

Submission:

Evidence-based Network for the Interpretation of Germline Mutant Alleles (ENIGMA)
Classification: Benign for Breast-ovarian cancer, familial 1. Last evaluated: 2015-01-12. Review status: reviewed by expert panel. Criteria: ENIGMA BRCA1/2 Classification Criteria (2015). Collection method: curation. Allele origin: germline.
Comment: Class 1 not pathogenic based on frequency >1% in an outbred sampleset. Frequency 0.06 (African), derived from 1000 genomes (2012-04-30).